The following is an entry in ClinVar:

ClinVar aggregate classification (germline): Benign/Likely benign. Review status: criteria provided, multiple submitters, no conflicts (2 of 4 stars). 4 submissions from 2 submitters: Benign (3); Likely benign (1). Last evaluated 2025-08-10.

Conditions:
Polydactyly. Also called: polydactylism. Identifiers: MedGen C0152427, MONDO:0021003, OMIM 603596, HP:0010442.
Greig cephalopolysyndactyly syndrome (GCPS). Also called: POLYSYNDACTYLY WITH PECULIAR SKULL SHAPE; GLI3-Related Greig Cephalopolysyndactyly Syndrome; Greig syndrome. Identifiers: Orphanet 380, MedGen C0265306, MONDO:0008287, OMIM 175700.
Pallister-Hall syndrome (PHS). Also called: HYPOTHALAMIC HAMARTOBLASTOMA, HYPOPITUITARISM, IMPERFORATE ANUS, AND POSTAXIAL POLYDACTYLY; GLI3-Related Pallister-Hall Syndrome. Identifiers: Orphanet 672, MedGen C0265220, MONDO:0007804, OMIM 146510.

Allele frequency attached by ClinVar (database versions not stated): gnomAD exomes 0.00013 and 0.00024; ExAC 0.00016; 1000 Genomes Project 30x 0.00031; 1000 Genomes Project 0.00040; gnomAD 0.00001 and 0.00009; TOPMed 0.00006.
gnomAD v4.1: 347 of 1,613,824 alleles (0.022%); highest among the groups gnomAD compares: East Asian, 0.77%; 3 homozygotes.

Submissions (4):

Labcorp Genetics (formerly Invitae), Labcorp
Classification: Likely benign for Pallister-Hall syndrome; Greig cephalopolysyndactyly syndrome. Last evaluated: 2025-08-10. Review status: criteria provided, single submitter. Criteria: Invitae Variant Classification Sherloc (09022015). Collection method: clinical testing. Allele origin: germline.

Illumina Laboratory Services, Illumina
Classification: Benign for Pallister-Hall syndrome. Last evaluated: 2018-01-12. Review status: criteria provided, single submitter. Criteria: ICSL Variant Classification Criteria 13 December 2019. Collection method: clinical testing. Allele origin: germline.
Comment: This variant was observed in the ICSL laboratory as part of a predisposition screen in an ostensibly healthy population. It had not been previously curated by ICSL or reported in the Human Gene Mutation Database (HGMD: prior to June 1st, 2018), and was therefore a candidate for classification through an automated scoring system. Utilizing variant allele frequency, disease prevalence and penetrance estimates, and inheritance mode, an automated score was calculated to assess if this variant is too frequent to cause the disease. Based on the score and internal cut-off values, a variant classified as benign is not then subjected to further curation. The score for this variant resulted in a classification of benign for this disease.

Illumina Laboratory Services, Illumina
Classification: Benign for Polydactyly. Last evaluated: 2018-01-12. Review status: criteria provided, single submitter. Criteria: ICSL Variant Classification Criteria 13 December 2019. Collection method: clinical testing. Allele origin: germline.
Comment: the same text as in the submission from Illumina Laboratory Services, Illumina above.

Illumina Laboratory Services, Illumina
Classification: Benign for Greig cephalopolysyndactyly syndrome. Last evaluated: 2018-01-12. Review status: criteria provided, single submitter. Criteria: ICSL Variant Classification Criteria 13 December 2019. Collection method: clinical testing. Allele origin: germline.
Comment: the same text as in the submission from Illumina Laboratory Services, Illumina above.

NM_000168.6(GLI3):c.825T>C (p.Asp275=)

Gene: GLI3 (GLI family zinc finger 3; minus strand). Cytogenetic location: 7p14.1.
Variant type: single nucleotide variant.
Coding change: c.825T>C on transcript NM_000168.6 (MANE Select); coding-DNA position 825, T replaced by C.
Protein change: p.Asp275=; no amino-acid change (aspartic acid 275 retained).
Molecular consequence: synonymous variant.
Genome position (GRCh38, 1-based): chr7:42,045,385, A>G on the plus strand (T>C on the coding strand, the complement: GLI3 is on the minus strand). VCF-style: chr7-42045385-A-G. GRCh37 (hg19) VCF-style: chr7-42084984-A-G.
Identifiers: ClinVar variation 766924 (VCV000766924.8), dbSNP rs201269781, ClinGen allele CA4231056.